The following is an entry in ClinVar:

ClinVar aggregate classification (germline): Uncertain significance (1 of 4 stars; one submission).

Conditions:
Hereditary cancer-predisposing syndrome. Also called: Neoplastic Syndromes, Hereditary; Tumor predisposition; Hereditary neoplastic syndrome; Hereditary Cancer Syndrome. Identifiers: Orphanet 140162, MedGen C0027672, MeSH D009386, MONDO:0015356.

Submission:

Ambry Genetics
Classification: Uncertain significance for Hereditary cancer-predisposing syndrome. Last evaluated: 2026-07-06. Review status: criteria provided, single submitter. Criteria: Ambry Variant Classification Scheme 2023. Collection method: clinical testing. Allele origin: germline.
Comment: The p.Q232K variant (also known as c.694C>A), located in coding exon 4 of the FLCN gene, results from a C to A substitution at nucleotide position 694. The glutamine at codon 232 is replaced by lysine, an amino acid with similar properties. This amino acid position is conserved. In addition, the in silico prediction for this alteration is inconclusive. Based on the available evidence, the clinical significance of this variant remains unclear.

NM_144997.7(FLCN):c.694C>A (p.Gln232Lys)

Gene: FLCN (folliculin; minus strand). Cytogenetic location: 17p11.2.
Variant type: single nucleotide variant.
Coding change: c.694C>A on transcript NM_144997.7 (MANE Select); coding-DNA position 694, C replaced by A.
Protein change: p.Gln232Lys; replaces glutamine 232 with lysine.
Molecular consequence: missense variant.
Genome position (GRCh38, 1-based): chr17:17,222,586, G>T on the plus strand (C>A on the coding strand, the complement: FLCN is on the minus strand). VCF-style: chr17-17222586-G-T. GRCh37 (hg19) VCF-style: chr17-17125900-G-T.
Other names: c.694C>A, p.Gln232Lys (NM_144606.7, NM_001353230.2, NM_001353231.2); c.748C>A, p.Gln250Lys (NM_001353229.2); short protein forms Q232K, Q250K.
Identifiers: ClinVar variation 5021835 (VCV005021835.1).
Genomic context (GRCh38, chr17:17,222,586, plus strand): 5'-CCCACAGGTTGTCATCACTTGTCAGCGATGTCAGCGAGCGGGCGGCGTTGCCGTTCCTCT[G>T]GTGTAGGAATGGCGTGAAGGCTGTGTTCATCCTCTGAGCACGCTGTGGGCATCCAAACTG-3'
Protein context (NP_659434.2, residues 222-242): MNTAFTPFLH[Gln232Lys]RNGNAARSLT